The following is an entry in ClinVar:

ClinVar aggregate classification (germline): Likely benign. Review status: criteria provided, multiple submitters, no conflicts (2 of 4 stars). 3 submissions from 3 submitters: Likely benign (2). 1 of the submissions does not count toward it. Last evaluated 2024-09-27.

Conditions:
SETD2-related disorder.

Allele frequency attached by ClinVar (database versions not stated): ExAC 0.00001; gnomAD 0.00001; gnomAD exomes 0.00001.
gnomAD v4.1: 22 of 1,613,364 alleles (0.0014%); highest among the groups gnomAD compares: Middle Eastern, 0.16%; no homozygotes.

Submissions (3):

Blueprint Genetics
Classification: Likely benign. Last evaluated: 2024-09-27. Review status: criteria provided, single submitter. Criteria: ACMG Guidelines, 2015. Collection method: clinical testing. Allele origin: germline.

CeGaT Center for Human Genetics Tuebingen
Classification: Likely benign. Last evaluated: 2022-12-01. Review status: criteria provided, single submitter. Criteria: CeGaT Center For Human Genetics Tuebingen Variant Classification Criteria Version 2. Collection method: clinical testing. Allele origin: germline. Affected: yes. Observed: 2 variant alleles.
Comment: SETD2: BP4, BP7

PreventionGenetics, part of Exact Sciences
Classification: Likely benign for SETD2-related condition. Last evaluated: 2023-11-06. Review status: no assertion criteria provided. Collection method: clinical testing. Allele origin: germline. Not counted in ClinVar's aggregate classification.
Comment: This variant is classified as likely benign based on ACMG/AMP sequence variant interpretation guidelines (Richards et al. 2015 PMID: 25741868, with internal and published modifications).

NM_014159.7(SETD2):c.4680A>G (p.Lys1560=)

Gene: SETD2 (SET domain containing 2, histone lysine methyltransferase; minus strand). Cytogenetic location: 3p21.31.
Variant type: single nucleotide variant.
Coding change: c.4680A>G on transcript NM_014159.7 (MANE Select); coding-DNA position 4680, A replaced by G.
Protein change: p.Lys1560=; no amino-acid change (lysine 1560 retained).
Molecular consequence: synonymous variant. On other transcripts: non-coding transcript variant (1).
Genome position (GRCh38, 1-based): chr3:47,113,911, T>C on the plus strand (A>G on the coding strand, the complement: SETD2 is on the minus strand). VCF-style: chr3-47113911-T-C. GRCh37 (hg19) VCF-style: chr3-47155401-T-C.
Other names: c.4548A>G, p.Lys1516= (NM_001349370.3).
Identifiers: ClinVar variation 1695072 (VCV001695072.33), dbSNP rs780684040, ClinGen allele CA2363155.